The following is an entry in ClinVar:

NM_000267.3(NF1):c.3709delG

Gene: NF1 (neurofibromin 1; plus strand). Cytogenetic location: 17q11.2.
Variant type: Deletion.
Coding change: c.3709delG on transcript NM_000267.3; coding-DNA position 3709, one base deleted (G).
Genome position (GRCh38, 1-based): chr17:31,235,611, G deleted; the last of 2 consecutive G bases (chr17:31,235,610-31,235,611); deleting either gives the same sequence. VCF-style (leftmost placement, unchanged base first): chr17-31235609-AG-A. GRCh37 (hg19) VCF-style: chr17-29562627-AG-A.
Identifiers: ClinVar variation 4119144 (VCV004119144.1).

ClinVar aggregate classification (germline): Pathogenic (1 of 4 stars; one submission).

Conditions:
Cardiovascular phenotype. Identifiers: MedGen CN230736.
Hereditary cancer-predisposing syndrome. Also called: Neoplastic Syndromes, Hereditary; Tumor predisposition; Hereditary neoplastic syndrome; Hereditary Cancer Syndrome. Identifiers: Orphanet 140162, MedGen C0027672, MeSH D009386, MONDO:0015356.

Submission:

Ambry Genetics
Classification: Pathogenic for Cardiovascular phenotype; Hereditary cancer-predisposing syndrome. Last evaluated: 2025-08-18. Review status: criteria provided, single submitter. Criteria: Ambry Variant Classification Scheme 2023. Collection method: clinical testing. Allele origin: germline.
Comment: The c.3709delG pathogenic mutation, located in coding exon 28 of the NF1 gene, results from a deletion of one nucleotide at nucleotide position 3709, causing a translational frameshift with a predicted alternate stop codon (p.D1237Mfs*3). This alteration is expected to result in loss of function by premature protein truncation or nonsense-mediated mRNA decay. In silico splice site analysis predicts that this alteration will weaken the native splice acceptor site and will result in the creation or strengthening of a novel splice acceptor site. RNA studies have demonstrated that this alteration results in abnormal splicing in the set of samples tested (Ambry internal data). This variant was reported in individual(s) with features consistent with Neurofibromatosis type 1 (Ambry internal data). This variant is considered to be rare based on population cohorts in the Genome Aggregation Database (gnomAD). Based on the supporting evidence, this variant is interpreted as a disease-causing mutation.